The following is an entry in ClinVar:

ClinVar aggregate classification (germline): Uncertain significance (1 of 4 stars; one submission).

Allele frequency attached by ClinVar (database versions not stated): ExAC 0.00003.
gnomAD v4.1: 5 of 1,613,718 alleles (0.00031%); highest among the groups gnomAD compares: Non-Finnish European, 0.00042%; no homozygotes.

Submission:

Labcorp Genetics (formerly Invitae), Labcorp
Classification: Uncertain significance. Last evaluated: 2022-10-17. Review status: criteria provided, single submitter. Criteria: Invitae Variant Classification Sherloc (09022015). Collection method: clinical testing. Allele origin: germline.
Comment: In summary, the available evidence is currently insufficient to determine the role of this variant in disease. Therefore, it has been classified as a Variant of Uncertain Significance. Advanced modeling of protein sequence and biophysical properties (such as structural, functional, and spatial information, amino acid conservation, physicochemical variation, residue mobility, and thermodynamic stability) has been performed at Invitae for this missense variant, however the output from this modeling did not meet the statistical confidence thresholds required to predict the impact of this variant on CDH23 protein function. This variant has not been reported in the literature in individuals affected with CDH23-related conditions. This variant is present in population databases (rs745970957, gnomAD 0.002%). This sequence change replaces proline, which is neutral and non-polar, with alanine, which is neutral and non-polar, at codon 649 of the CDH23 protein (p.Pro649Ala).

NM_022124.6(CDH23):c.1945C>G (p.Pro649Ala)

Gene: CDH23 (cadherin related 23; plus strand). Cytogenetic location: 10q22.1.
Variant type: single nucleotide variant.
Coding change: c.1945C>G on transcript NM_022124.6 (MANE Select); coding-DNA position 1945, C replaced by G.
Protein change: p.Pro649Ala; replaces proline 649 with alanine.
Molecular consequence: missense variant.
Genome position (GRCh38, 1-based): chr10:71,682,531, C>G. VCF-style: chr10-71682531-C-G. GRCh37 (hg19) VCF-style: chr10-73442288-C-G.
Other names: c.1945C>G, p.Pro649Ala (NM_001171930.2, NM_001171931.2); short protein forms P649A.
Identifiers: ClinVar variation 1962585 (VCV001962585.5), dbSNP rs745970957, ClinGen allele CA5544021.